The following is an entry in ClinVar:

NM_000217.3(KCNA1):c.191G>A (p.Gly64Asp)

Gene: KCNA1 (potassium voltage-gated channel subfamily A member 1; plus strand). Cytogenetic location: 12p13.32.
Variant type: single nucleotide variant.
Coding change: c.191G>A on transcript NM_000217.3 (MANE Select); coding-DNA position 191, G replaced by A.
Protein change: p.Gly64Asp; replaces glycine 64 with aspartic acid.
Molecular consequence: missense variant.
Genome position (GRCh38, 1-based): chr12:4,911,569, G>A. VCF-style: chr12-4911569-G-A. GRCh37 (hg19) VCF-style: chr12-5020735-G-A.
Other names: short protein forms G64D.
Identifiers: ClinVar variation 1701180 (VCV001701180.31), dbSNP rs2137672866, ClinGen allele CA383453995.

ClinVar aggregate classification (germline): Uncertain significance (1 of 4 stars; one submission).

Submission:

CeGaT Center for Human Genetics Tuebingen
Classification: Uncertain significance. Last evaluated: 2022-07-01. Review status: criteria provided, single submitter. Criteria: CeGaT Center For Human Genetics Tuebingen Variant Classification Criteria Version 2. Collection method: clinical testing. Allele origin: germline. Affected: yes. Observed: 1 variant allele.
Comment: KCNA1: PM2, PP2, PP3